The following is an entry in ClinVar:

NM_022725.4(FANCF):c.911G>C (p.Trp304Ser)

Genes: FANCF (FA complementation group F; minus strand), LOC130005444 (ATAC-STARR-seq lymphoblastoid active region 4534; plus strand). Cytogenetic location: 11p14.3.
Variant type: single nucleotide variant.
Coding change: c.911G>C on transcript NM_022725.4 (MANE Select); coding-DNA position 911, G replaced by C.
Protein change: p.Trp304Ser; replaces tryptophan 304 with serine.
Molecular consequence: missense variant.
Genome position (GRCh38, 1-based): chr11:22,624,900, C>G on the plus strand (G>C on the coding strand, the complement: FANCF is on the minus strand). VCF-style: chr11-22624900-C-G. GRCh37 (hg19) VCF-style: chr11-22646446-C-G.
Other names: short protein forms W304S.
Identifiers: ClinVar variation 964280 (VCV000964280.12), dbSNP rs372140217, ClinGen allele CA5924232.

ClinVar aggregate classification (germline): Uncertain significance. Review status: criteria provided, multiple submitters, no conflicts (2 of 4 stars). 3 submissions from 3 submitters: Uncertain significance (3). Last evaluated 2024-04-29.

Conditions:
Fanconi anemia complementation group F. Also called: FANCF-Related Fanconi Anemia. Identifiers: Orphanet 84, MedGen C3469526, MONDO:0011325, OMIM 603467.
Fanconi anemia (FA). Also called: Fanconi's anemia. Identifiers: Orphanet 84, MedGen C0015625, MeSH D005199, MONDO:0019391.

Allele frequency attached by ClinVar (database versions not stated): ExAC 0.00001; gnomAD exomes 0.00001 and 0.00002; ESP Exome Variant Server 0.00008; gnomAD 0.00008 and 0.00009; TOPMed 0.00008.

Submissions (3):

Fulgent Genetics
Classification: Uncertain significance for Fanconi anemia complementation group F. Last evaluated: 2024-04-29. Review status: criteria provided, single submitter. Criteria: ACMG Guidelines, 2015. Collection method: clinical testing. Allele origin: germline.

Labcorp Genetics (formerly Invitae), Labcorp
Classification: Uncertain significance for Fanconi anemia. Last evaluated: 2024-03-20. Review status: criteria provided, single submitter. Criteria: Invitae Variant Classification Sherloc (09022015). Collection method: clinical testing. Allele origin: germline.
Comment: This sequence change replaces tryptophan, which is neutral and slightly polar, with serine, which is neutral and polar, at codon 304 of the FANCF protein (p.Trp304Ser). This variant is present in population databases (rs372140217, gnomAD 0.02%). This variant has not been reported in the literature in individuals affected with FANCF-related conditions. ClinVar contains an entry for this variant (Variation ID: 964280). Advanced modeling of protein sequence and biophysical properties (such as structural, functional, and spatial information, amino acid conservation, physicochemical variation, residue mobility, and thermodynamic stability) performed at Invitae indicates that this missense variant is expected to disrupt FANCF protein function with a positive predictive value of 80%. In summary, the available evidence is currently insufficient to determine the role of this variant in disease. Therefore, it has been classified as a Variant of Uncertain Significance.

Baylor Genetics
Classification: Uncertain significance for Fanconi anemia complementation group F. Last evaluated: 2021-03-04. Review status: criteria provided, single submitter. Criteria: ACMG Guidelines, 2015. Collection method: clinical testing. Allele origin: unknown. Affected: yes. Study: CSER-TexasKidsCanSeq.
Comment: This variant was determined to be of uncertain significance according to ACMG Guidelines, 2015 [PMID:25741868].